The following is an entry in ClinVar:

NM_000388.4(CASR):c.1169C>G (p.Ala390Gly)

Gene: CASR (calcium sensing receptor; plus strand). Cytogenetic location: 3q21.1.
Variant type: single nucleotide variant.
Coding change: c.1169C>G on transcript NM_000388.4 (MANE Select); coding-DNA position 1169, C replaced by G.
Protein change: p.Ala390Gly; replaces alanine 390 with glycine.
Molecular consequence: missense variant.
Genome position (GRCh38, 1-based): chr3:122,262,204, C>G. VCF-style: chr3-122262204-C-G. GRCh37 (hg19) VCF-style: chr3-121981051-C-G.
Other names: c.1169C>G, p.Ala390Gly (NM_001178065.2); short protein forms A390G.
Identifiers: ClinVar variation 665477 (VCV000665477.13), dbSNP rs757533550, ClinGen allele CA2569607.
Genomic context (GRCh38, chr3:122,262,204, plus strand): 5'-TGGACACCTTTCTGAGAGGTCACGAAGAAAGTGGCGACAGGTTTAGCAACAGCTCGACAG[C>G]CTTCCGACCCCTCTGTACAGGGGATGAGAACATCAGCAGTGTCGAGACCCCTTACATAGA-3'
Protein context (NP_000379.3, residues 380-400): SGDRFSNSST[Ala390Gly]FRPLCTGDEN

ClinVar aggregate classification (germline): Uncertain significance (1 of 4 stars; one submission).

Conditions:
Familial hypocalciuric hypercalcemia (FHH). Also called: Familial benign hypercalcemia. Identifiers: Orphanet 405, MedGen C1809471, MONDO:0018458.
Autosomal dominant hypocalcemia 1 (HYPOC1). Also called: HYPOCALCEMIA, FAMILIAL. Identifiers: MedGen C3715128, MONDO:0011013, OMIM 601198.

Allele frequency attached by ClinVar (database versions not stated): gnomAD exomes below 0.00001; ExAC 0.00001.
gnomAD v4.1: 3 of 1,614,182 alleles (0.00019%); highest among the groups gnomAD compares: Non-Finnish European, 0.00025%; no homozygotes.

Submission:

Labcorp Genetics (formerly Invitae), Labcorp
Classification: Uncertain significance for Familial hypocalciuric hypercalcemia; Autosomal dominant hypocalcemia 1. Last evaluated: 2022-06-04. Review status: criteria provided, single submitter. Criteria: Invitae Variant Classification Sherloc (09022015). Collection method: clinical testing. Allele origin: germline.
Comment: This variant has not been reported in the literature in individuals affected with CASR-related conditions. This variant is present in population databases (rs757533550, gnomAD 0.0009%). This sequence change replaces alanine, which is neutral and non-polar, with glycine, which is neutral and non-polar, at codon 390 of the CASR protein (p.Ala390Gly). ClinVar contains an entry for this variant (Variation ID: 665477). Algorithms developed to predict the effect of missense changes on protein structure and function (SIFT, PolyPhen-2, Align-GVGD) all suggest that this variant is likely to be tolerated. In summary, the available evidence is currently insufficient to determine the role of this variant in disease. Therefore, it has been classified as a Variant of Uncertain Significance.